The following is an entry in ClinVar:

NM_001853.4(COL9A3):c.737G>A (p.Arg246Gln)

Gene: COL9A3 (collagen type IX alpha 3 chain; plus strand). Cytogenetic location: 20q13.33.
Variant type: single nucleotide variant.
Coding change: c.737G>A on transcript NM_001853.4 (MANE Select); coding-DNA position 737, G replaced by A.
Protein change: p.Arg246Gln; replaces arginine 246 with glutamine.
Molecular consequence: missense variant.
Genome position (GRCh38, 1-based): chr20:62,826,256, G>A. VCF-style: chr20-62826256-G-A. GRCh37 (hg19) VCF-style: chr20-61457608-G-A.
Other names: short protein forms R246Q.
Identifiers: ClinVar variation 2173673 (VCV002173673.4), dbSNP rs1277702961, ClinGen allele CA409592077.
Genomic context (GRCh38, chr20:62,826,256, plus strand): 5'-TCTCGCAGGGCCCCCGGGGATTACGAGGACTGCCAGGGCCACTCGGGCCCCCTGGGGACC[G>A]GGTAAGTCCTGCAGCCCCTAGTGGGGGCCGGCCAGGTGGCTGGGGGCCTGGTTGTCTGCA-3'
Protein context (NP_001844.3, residues 236-256): LPGPLGPPGD[Arg246Gln]GPIGFRGPPG

ClinVar aggregate classification (germline): Uncertain significance (1 of 4 stars; one submission).

Allele frequency attached by ClinVar (database versions not stated): gnomAD 0.00002.

Submission:

Labcorp Genetics (formerly Invitae), Labcorp
Classification: Uncertain significance. Last evaluated: 2025-11-18. Review status: criteria provided, single submitter. Criteria: Invitae Variant Classification Sherloc (09022015). Collection method: clinical testing. Allele origin: germline.
Comment: This sequence change replaces arginine, which is basic and polar, with glutamine, which is neutral and polar, at codon 246 of the COL9A3 protein (p.Arg246Gln). This variant is present in population databases (no rsID available, gnomAD 0.008%). This variant has not been reported in the literature in individuals affected with COL9A3-related conditions. ClinVar contains an entry for this variant (Variation ID: 2173673). Experimental studies and prediction algorithms are not available or were not evaluated, and the functional significance of this variant is currently unknown. In summary, the available evidence is currently insufficient to determine the role of this variant in disease. Therefore, it has been classified as a Variant of Uncertain Significance.